The following is an entry in ClinVar:

NM_018124.4(RFWD3):c.722-4_722-3delinsTT

Gene: RFWD3 (ring finger and WD repeat domain 3; minus strand). Cytogenetic location: 16q23.1.
Variant type: Indel.
Coding change: c.722-4_722-3delinsTT on transcript NM_018124.4 (MANE Select); 4 bases into the intron before coding-DNA position 722 through 3 bases into the intron before coding-DNA position 722, GC replaced by TT.
Molecular consequence: intron variant.
Genome position (GRCh38, 1-based): chr16:74,649,205-74,649,206, GC replaced by AA on the plus strand (GC replaced by TT on the coding strand, the reverse complement: RFWD3 is on the minus strand). VCF-style: chr16-74649205-GC-AA. GRCh37 (hg19) VCF-style: chr16-74683103-GC-AA.
Other names: c.722-4_722-3delinsTT (NM_001370534.1, NM_001370536.1, NM_001370535.1); c.-113-4_-113-3delinsTT (NM_001370539.1, NM_001370540.1); c.-287-4_-287-3delinsTT (NM_001370537.1); c.-43+2714_-43+2715delinsTT (NM_001370543.1); c.-164-128_-164-127delinsTT (NM_001370542.1).
Identifiers: ClinVar variation 2190852 (VCV002190852.4), dbSNP rs2544077515, ClinGen allele CA2580091980.

ClinVar aggregate classification (germline): Uncertain significance (1 of 4 stars; one submission).

Submission:

Labcorp Genetics (formerly Invitae), Labcorp
Classification: Uncertain significance. Last evaluated: 2025-11-26. Review status: criteria provided, single submitter. Criteria: Invitae Variant Classification Sherloc (09022015). Collection method: clinical testing. Allele origin: germline.
Comment: This sequence change falls in intron 3 of the RFWD3 gene. It does not directly change the encoded amino acid sequence of the RFWD3 protein. It affects a nucleotide within the consensus splice site. Information on the frequency of this variant in the gnomAD database is not available, as this variant may be reported differently in the database. This variant has not been reported in the literature in individuals affected with RFWD3-related conditions. ClinVar contains an entry for this variant (Variation ID: 2190852). Variants that disrupt the consensus splice site are a relatively common cause of aberrant splicing (PMID: 17576681, 9536098). In summary, the available evidence is currently insufficient to determine the role of this variant in disease. Therefore, it has been classified as a Variant of Uncertain Significance.

Literature cited by the submitters: PubMed 17576681; PubMed 9536098.